The following is an entry in ClinVar:

NM_001256317.3(TMPRSS3):c.616+5G>A

Gene: TMPRSS3 (transmembrane serine protease 3; minus strand). Cytogenetic location: 21q22.3.
Variant type: single nucleotide variant.
Coding change: c.616+5G>A on transcript NM_001256317.3 (MANE Select); 5 bases into the intron after coding-DNA position 616, G replaced by A.
Molecular consequence: intron variant.
Genome position (GRCh38, 1-based): chr21:42,383,965, C>T on the plus strand (G>A on the coding strand, the complement: TMPRSS3 is on the minus strand). VCF-style: chr21-42383965-C-T. GRCh37 (hg19) VCF-style: chr21-43804074-C-T.
Other names: c.616+5G>A (NM_024022.4, NM_032405.2); c.235+5G>A (NM_032404.3).
Identifiers: ClinVar variation 46124 (VCV000046124.15), dbSNP rs138768408, ClinGen allele CA137721.

ClinVar aggregate classification (germline): Uncertain significance. Review status: criteria provided, multiple submitters, no conflicts (2 of 4 stars). 5 submissions from 5 submitters: Uncertain significance (5). Last evaluated 2025-08-21.

Conditions:
Autosomal recessive nonsyndromic hearing loss 8 (DFNB8). Also called: Deafness, autosomal recessive 10; NEUROSENSORY NONSYNDROMIC RECESSIVE DEAFNESS 8. Identifiers: Orphanet 90636, MedGen C1832827, MONDO:0010987, OMIM 601072.

Allele frequency attached by ClinVar (database versions not stated): gnomAD 0.00009 and 0.00010; TOPMed 0.00011; gnomAD exomes 0.00018; 1000 Genomes Project 0.00020; ESP Exome Variant Server 0.00023; ExAC 0.00025; 1000 Genomes Project 30x 0.00031.

Submissions (5):

Labcorp Genetics (formerly Invitae), Labcorp
Classification: Uncertain significance. Last evaluated: 2025-08-21. Review status: criteria provided, single submitter. Criteria: Invitae Variant Classification Sherloc (09022015). Collection method: clinical testing. Allele origin: germline.
Comment: This sequence change falls in intron 7 of the TMPRSS3 gene. It does not directly change the encoded amino acid sequence of the TMPRSS3 protein. It affects a nucleotide within the consensus splice site. This variant is present in population databases (rs138768408, gnomAD 0.03%). This variant has not been reported in the literature in individuals affected with TMPRSS3-related conditions. ClinVar contains an entry for this variant (Variation ID: 46124). Variants that disrupt the consensus splice site are a relatively common cause of aberrant splicing (PMID: 17576681, 9536098). Algorithms developed to predict the effect of sequence changes on RNA splicing suggest that this variant may disrupt the consensus splice site. In summary, the available evidence is currently insufficient to determine the role of this variant in disease. Therefore, it has been classified as a Variant of Uncertain Significance.

GeneDx
Classification: Uncertain significance. Last evaluated: 2024-07-16. Review status: criteria provided, single submitter. Criteria: GeneDx Variant Classification Process June 2021. Collection method: clinical testing. Allele origin: germline. Affected: yes.
Comment: Identified in a patient with sensorineural hearing loss in published literature (PMID: 34515852); In silico analysis is inconclusive as to whether the variant alters gene splicing. In the absence of RNA/functional studies, the actual effect of this sequence change is unknown.; This variant is associated with the following publications: (PMID: 34515852)

Blueprint Genetics
Classification: Uncertain significance. Last evaluated: 2024-02-19. Review status: criteria provided, single submitter. Criteria: ACMG Guidelines, 2015. Collection method: clinical testing. Allele origin: germline.

Illumina Laboratory Services, Illumina
Classification: Uncertain significance for Autosomal recessive nonsyndromic hearing loss 8. Last evaluated: 2018-01-13. Review status: criteria provided, single submitter. Criteria: ICSL Variant Classification Criteria 13 December 2019. Collection method: clinical testing. Allele origin: germline.

Laboratory for Molecular Medicine, Mass General Brigham Personalized Medicine
Classification: Uncertain significance. Last evaluated: 2015-12-31. Review status: criteria provided, single submitter. Criteria: LMM Criteria. Collection method: clinical testing. Allele origin: germline. Observed: 2 variant alleles.
Comment: Variant classified as Uncertain Significance - Favor Benign. This variant has been identified in 30/65986 European chromosomes by the Exome Aggregation Consortium (ExAC; dbSNP rs138768408). Although it has been seen in the general population, its frequency is not high enough to rule out a p athogenic role. This variant is located in the 5' splice region. Computational t ools do not suggest an impact to splicing. However, this information is not pred ictive enough to rule out pathogenicity. In summary, while the clinical signific ance of the c.616+5G>A variant is uncertain, these data suggest that it is more likely to be benign.

Literature cited by the submitters: PubMed 17576681 (cited by Labcorp Genetics (formerly Invitae), Labcorp); PubMed 9536098 (cited by Labcorp Genetics (formerly Invitae), Labcorp).